The following is an entry in ClinVar:

NM_020964.3(EPG5):c.5304+1G>A

Gene: EPG5 (ectopic P-granules 5 autophagy tethering factor; minus strand). Cytogenetic location: 18q12.3.
Variant type: single nucleotide variant.
Coding change: c.5304+1G>A on transcript NM_020964.3 (MANE Select); the canonical splice donor site of the intron after coding-DNA position 5304, G replaced by A.
Molecular consequence: splice donor variant.
Genome position (GRCh38, 1-based): chr18:45,884,616, C>T on the plus strand (G>A on the coding strand, the complement: EPG5 is on the minus strand). VCF-style: chr18-45884616-C-T. GRCh37 (hg19) VCF-style: chr18-43464581-C-T.
Other names: c.5304+1G>A (NM_001410858.1, NM_001410859.1, NM_020964.2).
Identifiers: ClinVar variation 2440061 (VCV002440061.4), dbSNP rs1422488942, ClinGen allele CA402345183.
Genomic context (GRCh38, chr18:45,884,616, plus strand): 5'-GGAGGAAGCAACAATCATTCCTACGTTTCAACAATATGGTGAGGATGGAATTACATCTTA[C>T]CTTGGTTAGCAGCATGAAAATCATATCACTGTTGTCCTCACTTAGAAACTTCACCACTTG-3'

ClinVar aggregate classification (germline): Likely pathogenic. Review status: criteria provided, multiple submitters, no conflicts (2 of 4 stars). 2 submissions from 2 submitters: Likely pathogenic (2). Last evaluated 2022-10-26.

Conditions:
EPG5-related disorder. Also called: EPG5-related condition. Identifiers: MedGen CN381528.
Vici syndrome (VICIS). Identifiers: Orphanet 1493, MedGen C1855772, MONDO:0009452, OMIM 242840.

Allele frequency attached by ClinVar (database versions not stated): gnomAD exomes below 0.00001.
gnomAD v4.1: 1 of 1,596,532 alleles (0.000063%); highest among the groups gnomAD compares: Non-Finnish European, 0.000085%; no homozygotes.

Submissions (2):

Revvity Omics, Revvity
Classification: Likely pathogenic for Vici syndrome. Last evaluated: 2022-10-26. Review status: criteria provided, single submitter. Criteria: ACMG Guidelines, 2015. Collection method: clinical testing. Allele origin: germline.

PreventionGenetics, part of Exact Sciences
Classification: Likely pathogenic for EPG5-related condition. Last evaluated: 2022-08-26. Review status: criteria provided, single submitter. Criteria: ACMG Guidelines, 2015. Collection method: clinical testing. Allele origin: germline.
Comment: The EPG5 c.5304+1G>A variant is predicted to disrupt the GT donor site and interfere with normal splicing. To our knowledge, this variant has not been reported in the literature or in a large population database, indicating this variant is rare. Variants that disrupt the consensus splice donor site in EPG5 are expected to be pathogenic. This variant is interpreted as likely pathogenic.